The following is an entry in ClinVar:

NM_053025.4(MYLK):c.4514A>G (p.Asn1505Ser)

Gene: MYLK (myosin light chain kinase; minus strand). Cytogenetic location: 3q21.1.
Variant type: single nucleotide variant.
Coding change: c.4514A>G on transcript NM_053025.4 (MANE Select); coding-DNA position 4514, A replaced by G.
Protein change: p.Asn1505Ser; replaces asparagine 1505 with serine.
Molecular consequence: missense variant.
Genome position (GRCh38, 1-based): chr3:123,647,329, T>C on the plus strand (A>G on the coding strand, the complement: MYLK is on the minus strand). VCF-style: chr3-123647329-T-C. GRCh37 (hg19) VCF-style: chr3-123366176-T-C.
Other names: c.3986A>G, p.Asn1329Ser (NM_001321309.2); c.4307A>G, p.Asn1436Ser (NM_053026.4, NM_053028.4); c.4514A>G, p.Asn1505Ser (NM_053027.4); c.4514A>G (NM_053025.3); short protein forms N1436S, N1329S, N1505S.
Identifiers: ClinVar variation 2098431 (VCV002098431.6), dbSNP rs778981889, ClinGen allele CA071787.

ClinVar aggregate classification (germline): Uncertain significance. Review status: criteria provided, multiple submitters, no conflicts (2 of 4 stars). 4 submissions from 4 submitters: Uncertain significance (4). Last evaluated 2025-06-18.

Conditions:
Aortic aneurysm, familial thoracic 7 (AAT7). Also called: AORTIC DISSECTION, FAMILIAL, WITH OR WITHOUT AORTIC ANEURYSM. Identifiers: MedGen C3151077, MONDO:0013418, OMIM 613780.
Familial thoracic aortic aneurysm and aortic dissection (TAAD). Also called: Thoracic aortic aneurysms and dissections. Identifiers: Orphanet 91387, MedGen C4707243, MONDO:0019625.

Allele frequency attached by ClinVar (database versions not stated): ExAC 0.00001; TOPMed 0.00002.
gnomAD v4.1: 8 of 1,614,254 alleles (0.0005%); highest among the groups gnomAD compares: Admixed American, 0.0083%; no homozygotes.

Submissions (4):

GeneDx
Classification: Uncertain significance. Last evaluated: 2025-06-18. Review status: criteria provided, single submitter. Criteria: GeneDx Variant Classification Process June 2021. Collection method: clinical testing. Allele origin: germline. Affected: yes.
Comment: Not observed at significant frequency in large population cohorts (gnomAD); In silico analysis suggests that this missense variant does not alter protein structure/function; Has not been previously published as pathogenic or benign to our knowledge

Genomic Medicine Center of Excellence, King Faisal Specialist Hospital and Research Centre
Classification: Uncertain significance for Aortic aneurysm, familial thoracic 7. Last evaluated: 2024-12-18. Review status: criteria provided, single submitter. Criteria: ACMG Guidelines, 2015. Collection method: clinical testing. Allele origin: germline.

Ambry Genetics
Classification: Uncertain significance for Familial thoracic aortic aneurysm and aortic dissection. Last evaluated: 2024-12-13. Review status: criteria provided, single submitter. Criteria: Ambry Variant Classification Scheme 2023. Collection method: clinical testing. Allele origin: germline.
Comment: The p.N1505S variant (also known as c.4514A>G), located in coding exon 24 of the MYLK gene, results from an A to G substitution at nucleotide position 4514. The asparagine at codon 1505 is replaced by serine, an amino acid with highly similar properties. This amino acid position is conserved. In addition, this alteration is predicted to be tolerated by in silico analysis. Based on the available evidence, the clinical significance of this variant remains unclear.

Labcorp Genetics (formerly Invitae), Labcorp
Classification: Uncertain significance for Aortic aneurysm, familial thoracic 7. Last evaluated: 2022-06-22. Review status: criteria provided, single submitter. Criteria: Invitae Variant Classification Sherloc (09022015). Collection method: clinical testing. Allele origin: germline.
Comment: This variant has not been reported in the literature in individuals affected with MYLK-related conditions. In summary, the available evidence is currently insufficient to determine the role of this variant in disease. Therefore, it has been classified as a Variant of Uncertain Significance. Advanced modeling of protein sequence and biophysical properties (such as structural, functional, and spatial information, amino acid conservation, physicochemical variation, residue mobility, and thermodynamic stability) performed at Invitae indicates that this missense variant is not expected to disrupt MYLK protein function. This variant is present in population databases (rs778981889, gnomAD 0.009%). This sequence change replaces asparagine, which is neutral and polar, with serine, which is neutral and polar, at codon 1505 of the MYLK protein (p.Asn1505Ser).